The following is an entry in ClinVar:

NM_022455.5(NSD1):c.3833G>A (p.Ser1278Asn)

Gene: NSD1 (nuclear receptor binding SET domain protein 1; plus strand). Cytogenetic location: 5q35.3.
Variant type: single nucleotide variant.
Coding change: c.3833G>A on transcript NM_022455.5 (MANE Select); coding-DNA position 3833, G replaced by A.
Protein change: p.Ser1278Asn; replaces serine 1278 with asparagine.
Molecular consequence: missense variant.
Genome position (GRCh38, 1-based): chr5:177,235,857, G>A. VCF-style: chr5-177235857-G-A. GRCh37 (hg19) VCF-style: chr5-176662858-G-A.
Other names: c.2960G>A, p.Ser987Asn (NM_001365684.2, NM_001409306.1, NM_001409307.1 and 3 more transcripts); c.3833G>A, p.Ser1278Asn (NM_001409301.1, NM_001409302.1, NM_001409303.1); c.3413G>A, p.Ser1138Asn (NM_001409304.1); c.3080G>A, p.Ser1027Asn (NM_001409305.1); c.3026G>A (NM_172349.2); short protein forms S1009N, S1278N, S1027N, S1138N, S987N.
Identifiers: ClinVar variation 1176498 (VCV001176498.36), dbSNP rs1765400132, ClinGen allele CA362337875.

ClinVar aggregate classification (germline): Uncertain significance. Review status: criteria provided, multiple submitters, no conflicts (2 of 4 stars). 2 submissions from 2 submitters: Uncertain significance (2). Last evaluated 2026-10-01.

Conditions:
Sotos syndrome (SOTOS). Also called: CHROMOSOME 5q35 DELETION SYNDROME; SOTOS SYNDROME 1; CEREBRAL GIGANTISM; Sotos' syndrome; Distinctive facial appearance, overgrowth in childhood, and learning disabilities or delayed development. Identifiers: Orphanet 821, MedGen C0175695, MONDO:0019349, OMIM 117550.

Allele frequency attached by ClinVar (database versions not stated): TOPMed below 0.00001.

Submissions (2):

St. Jude Molecular Pathology, St. Jude Children's Research Hospital
Classification: Uncertain significance for Sotos syndrome. Last evaluated: 2026-10-01. Review status: criteria provided, single submitter. Criteria: St. Jude Assertion Criteria 2020. Collection method: clinical testing. Allele origin: germline.
Comment: The NSD1 c.3026G>A p.(Ser1009Asn) missense change is absent in gnomAD v2.1.1. The in silico tool REVEL is inconclusive about a pathogenic or benign effect of this variant on protein function , and to our knowledge functional studies have not been performed. To our knowledge, this variant has not been reported in individuals with Sotos syndrome. In summary, the evidence currently available is insufficient to determine the clinical significanc e of this variant. It has therefore been classified as of uncertain significance (VUS-Low).

CeGaT Center for Human Genetics Tuebingen
Classification: Uncertain significance. Last evaluated: 2021-03-01. Review status: criteria provided, single submitter. Criteria: CeGaT Center For Human Genetics Tuebingen Variant Classification Criteria Version 2. Collection method: clinical testing. Allele origin: germline. Affected: yes. Observed: 1 variant allele.